The following is an entry in ClinVar:

ClinVar aggregate classification (germline): Uncertain significance (1 of 4 stars; one submission).

Submission:

Labcorp Genetics (formerly Invitae), Labcorp
Classification: Uncertain significance. Last evaluated: 2025-06-25. Review status: criteria provided, single submitter. Criteria: Invitae Variant Classification Sherloc (09022015). Collection method: clinical testing. Allele origin: germline.
Comment: This sequence change replaces phenylalanine, which is neutral and non-polar, with cysteine, which is neutral and slightly polar, at codon 922 of the CPLANE1 protein (p.Phe922Cys). This variant is not present in population databases (gnomAD no frequency). This variant has not been reported in the literature in individuals affected with CPLANE1-related conditions. Invitae Evidence Modeling of protein sequence and biophysical properties (such as structural, functional, and spatial information, amino acid conservation, physicochemical variation, residue mobility, and thermodynamic stability) indicates that this missense variant is not expected to disrupt CPLANE1 protein function with a negative predictive value of 95%. In summary, the available evidence is currently insufficient to determine the role of this variant in disease. Therefore, it has been classified as a Variant of Uncertain Significance.

NM_001384732.1(CPLANE1):c.2765T>G (p.Phe922Cys)

Gene: CPLANE1 (ciliogenesis and planar polarity effector complex subunit 1; minus strand). Cytogenetic location: 5p13.2.
Variant type: single nucleotide variant.
Coding change: c.2765T>G on transcript NM_001384732.1 (MANE Select); coding-DNA position 2765, T replaced by G.
Protein change: p.Phe922Cys; replaces phenylalanine 922 with cysteine.
Molecular consequence: missense variant.
Genome position (GRCh38, 1-based): chr5:37,213,714, A>C on the plus strand (T>G on the coding strand, the complement: CPLANE1 is on the minus strand). VCF-style: chr5-37213714-A-C. GRCh37 (hg19) VCF-style: chr5-37213816-A-C.
Other names: c.2765T>G, p.Phe922Cys (NM_023073.4); short protein forms F922C.
Identifiers: ClinVar variation 4801422 (VCV004801422.1).